The following is an entry in ClinVar:

NM_016734.3(PAX5):c.136C>A (p.His46Asn)

Gene: PAX5 (paired box 5; minus strand). Cytogenetic location: 9p13.2.
Variant type: single nucleotide variant.
Coding change: c.136C>A on transcript NM_016734.3 (MANE Select); coding-DNA position 136, C replaced by A.
Protein change: p.His46Asn; replaces histidine 46 with asparagine.
Molecular consequence: missense variant. On other transcripts: non-coding transcript variant (2), intron variant (2).
Genome position (GRCh38, 1-based): chr9:37,020,712, G>T on the plus strand (C>A on the coding strand, the complement: PAX5 is on the minus strand). VCF-style: chr9-37020712-G-T. GRCh37 (hg19) VCF-style: chr9-37020709-G-T.
Other names: c.136C>A, p.His46Asn (NM_001280547.2, NM_001280548.2, NM_001280549.2 and 5 more transcripts); c.-112-5518C>A (NM_001280551.2, NM_001280556.2); short protein forms H46N.
Identifiers: ClinVar variation 3928336 (VCV003928336.1).
Genomic context (GRCh38, chr9:37,020,712, plus strand): 5'-TGACACAACCATGGCTGACCCGAAGCTGCCTGGAGATGTCGCAGGGCCTGACACCTTGAT[G>T]AGCAAGTTCCACTATCCTCTGGCGGACTACATCCGGGAGTGGCCGTCCATTCACAAAAAC-3'
Protein context (NP_057953.1, residues 36-56): VVRQRIVELA[His46Asn]QGVRPCDISR

ClinVar aggregate classification (germline): Uncertain significance (1 of 4 stars; one submission).

Conditions:
Inborn genetic diseases. Identifiers: MedGen C0950123, MeSH D030342.

gnomAD v4.1: 7 of 1,614,174 alleles (0.00043%); highest among the groups gnomAD compares: Non-Finnish European, 0.00059%; no homozygotes.

Submission:

Ambry Genetics
Classification: Uncertain significance for Inborn genetic diseases. Last evaluated: 2025-05-21. Review status: criteria provided, single submitter. Criteria: Ambry Variant Classification Scheme 2023. Collection method: clinical testing. Allele origin: germline.
Comment: The p.H46N variant (also known as c.136C>A), located in coding exon 2 of the PAX5 gene, results from a C to A substitution at nucleotide position 136. The histidine at codon 46 is replaced by asparagine, an amino acid with similar properties. This amino acid position is conserved. In addition, this alteration is predicted to be deleterious by in silico analysis. Based on the available evidence, the clinical significance of this variant remains unclear.